The following is an entry in ClinVar:

NM_020338.4(ZMIZ1):c.2941G>C (p.Ala981Pro)

Gene: ZMIZ1 (zinc finger MIZ-type containing 1; plus strand). Cytogenetic location: 10q22.3.
Variant type: single nucleotide variant.
Coding change: c.2941G>C on transcript NM_020338.4 (MANE Select); coding-DNA position 2941, G replaced by C.
Protein change: p.Ala981Pro; replaces alanine 981 with proline.
Molecular consequence: missense variant.
Genome position (GRCh38, 1-based): chr10:79,311,029, G>C. VCF-style: chr10-79311029-G-C. GRCh37 (hg19) VCF-style: chr10-81070786-G-C.
Other names: short protein forms A981P.
Identifiers: ClinVar variation 2214417 (VCV002214417.3), dbSNP rs901710133, ClinGen allele CA5573152.

ClinVar aggregate classification (germline): Uncertain significance. Review status: criteria provided, multiple submitters, no conflicts (2 of 4 stars). 2 submissions from 2 submitters: Uncertain significance (2). Last evaluated 2025-11-17.

Conditions:
Inborn genetic diseases. Identifiers: MedGen C0950123, MeSH D030342.

Allele frequency attached by ClinVar (database versions not stated): ExAC 0.00002; gnomAD 0.00004; TOPMed 0.00004; gnomAD exomes 0.00007.
gnomAD v4.1: 112 of 1,613,454 alleles (0.0069%); highest among the groups gnomAD compares: Non-Finnish European, 0.009%; no homozygotes.

Submissions (2):

Labcorp Genetics (formerly Invitae), Labcorp
Classification: Uncertain significance. Last evaluated: 2025-11-17. Review status: criteria provided, single submitter. Criteria: Invitae Variant Classification Sherloc (09022015). Collection method: clinical testing. Allele origin: germline.
Comment: This sequence change replaces alanine, which is neutral and non-polar, with proline, which is neutral and non-polar, at codon 981 of the ZMIZ1 protein (p.Ala981Pro). This variant is present in population databases (no rsID available, gnomAD 0.006%). This variant has not been reported in the literature in individuals affected with ZMIZ1-related conditions. ClinVar contains an entry for this variant (Variation ID: 2214417). Invitae Evidence Modeling of protein sequence and biophysical properties (such as structural, functional, and spatial information, amino acid conservation, physicochemical variation, residue mobility, and thermodynamic stability) indicates that this missense variant is not expected to disrupt ZMIZ1 protein function with a negative predictive value of 95%. In summary, the available evidence is currently insufficient to determine the role of this variant in disease. Therefore, it has been classified as a Variant of Uncertain Significance.

Ambry Genetics
Classification: Uncertain significance for Inborn genetic diseases. Last evaluated: 2021-10-26. Review status: criteria provided, single submitter. Criteria: Ambry Variant Classification Scheme 2023. Collection method: clinical testing. Allele origin: germline.